The following is an entry in ClinVar:

NM_000038.6(APC):c.1408+524C>A

Gene: APC (APC regulator of WNT signaling pathway; plus strand). Cytogenetic location: 5q22.2.
Variant type: single nucleotide variant.
Coding change: c.1408+524C>A on transcript NM_000038.6 (MANE Select); 524 bases into the intron after coding-DNA position 1408, C replaced by A.
Molecular consequence: intron variant.
Genome position (GRCh38, 1-based): chr5:112,822,515, C>A. VCF-style: chr5-112822515-C-A. GRCh37 (hg19) VCF-style: chr5-112158212-C-A.
Other names: c.1408+524C>A (NM_001354895.2, NM_001127510.3, NM_001354896.2); c.1438+524C>A (NM_001354897.2); c.1135+524C>A (NM_001354902.2); c.1354+524C>A (NM_001127511.3); c.1333+524C>A (NM_001354898.2); c.1030+524C>A (NM_001354904.2); c.559+524C>A (NM_001354906.2); c.1105+524C>A (NM_001354903.2); and 3 more.
Identifiers: ClinVar variation 82573 (VCV000082573.2), dbSNP rs79204769, ClinGen allele CA004947.

ClinVar aggregate classification (germline): other (0 of 4 stars; one submission).

Conditions:
Familial colorectal cancer. Identifiers: MedGen CN280943, MONDO:0023113. Disease mechanism: loss of function.

Submission:

Systems Biology Platform Zhejiang California International NanoSystems Institute
Classification: other for Familial colorectal cancer. Review status: no assertion criteria provided. Collection method: not provided. Allele origin: unknown.
ClinVar note: Converted during submission from cancer to other.